The following is an entry in ClinVar:

NM_004285.4(H6PD):c.927C>T (p.Val309=)

Gene: H6PD (hexose-6-phosphate dehydrogenase/glucose 1-dehydrogenase; plus strand). Cytogenetic location: 1p36.22.
Variant type: single nucleotide variant.
Coding change: c.927C>T on transcript NM_004285.4 (MANE Select); coding-DNA position 927, C replaced by T.
Protein change: p.Val309=; no amino-acid change (valine 309 retained).
Molecular consequence: synonymous variant.
Genome position (GRCh38, 1-based): chr1:9,262,240, C>T. VCF-style: chr1-9262240-C-T. GRCh37 (hg19) VCF-style: chr1-9322299-C-T.
Other names: c.960C>T, p.Val320= (NM_001282587.2).
Identifiers: ClinVar variation 780762 (VCV000780762.13), dbSNP rs61745592, ClinGen allele CA575129.

ClinVar aggregate classification (germline): Benign. Review status: criteria provided, multiple submitters, no conflicts (2 of 4 stars). 3 submissions from 3 submitters: Benign (2). 1 of the submissions does not count toward it. Last evaluated 2025-11-29.

Conditions:
H6PD-related disorder. Also called: H6PD-related condition.

Allele frequency attached by ClinVar (database versions not stated): gnomAD exomes 0.00118 and 0.00321; ExAC 0.00459; gnomAD 0.01128 and 0.01205; 1000 Genomes Project 0.01198; 1000 Genomes Project 30x 0.01218; ESP Exome Variant Server 0.01330; TOPMed 0.01333.
gnomAD v4.1: 3,487 of 1,613,304 alleles (0.22%); highest among the groups gnomAD compares: African/African-American, 4%; 70 homozygotes.

Submissions (3):

Labcorp Genetics (formerly Invitae), Labcorp
Classification: Benign. Last evaluated: 2025-11-29. Review status: criteria provided, single submitter. Criteria: Invitae Variant Classification Sherloc (09022015). Collection method: clinical testing. Allele origin: germline.

Breakthrough Genomics
Classification: Benign. Review status: criteria provided, single submitter. Criteria: ACMG Guidelines, 2015. Collection method: not provided. Allele origin: germline. Inheritance: Autosomal recessive inheritance. Affected: yes.

PreventionGenetics, part of Exact Sciences
Classification: Benign for H6PD-related condition. Last evaluated: 2020-01-06. Review status: no assertion criteria provided. Collection method: clinical testing. Allele origin: germline. Not counted in ClinVar's aggregate classification.
Comment: This variant is classified as benign based on ACMG/AMP sequence variant interpretation guidelines (Richards et al. 2015 PMID: 25741868, with internal and published modifications).